The following is an entry in ClinVar:

NM_198578.4(LRRK2):c.2755G>C (p.Asp919His)

Gene: LRRK2 (leucine rich repeat kinase 2; plus strand). Cytogenetic location: 12q12.
Variant type: single nucleotide variant.
Coding change: c.2755G>C on transcript NM_198578.4 (MANE Select); coding-DNA position 2755, G replaced by C.
Protein change: p.Asp919His; replaces aspartic acid 919 with histidine.
Molecular consequence: missense variant.
Genome position (GRCh38, 1-based): chr12:40,293,610, G>C. VCF-style: chr12-40293610-G-C. GRCh37 (hg19) VCF-style: chr12-40687412-G-C.
Other names: short protein forms D919H.
Identifiers: ClinVar variation 2447231 (VCV002447231.2), dbSNP rs1201032698, ClinGen allele CA384410930.

ClinVar aggregate classification (germline): Uncertain significance (1 of 4 stars; one submission).

Conditions:
Inborn genetic diseases. Identifiers: MedGen C0950123, MeSH D030342.

Allele frequency attached by ClinVar (database versions not stated): gnomAD exomes below 0.00001; TOPMed below 0.00001; gnomAD 0.00001.
gnomAD v4.1: 2 of 1,611,694 alleles (0.00012%); highest among the groups gnomAD compares: Non-Finnish European, 0.00017%; no homozygotes.

Submission:

Ambry Genetics
Classification: Uncertain significance for Inborn genetic diseases. Last evaluated: 2022-11-10. Review status: criteria provided, single submitter. Criteria: Ambry Variant Classification Scheme 2023. Collection method: clinical testing. Allele origin: germline.
Comment: The p.D919H variant (also known as c.2755G>C), located in coding exon 21 of the LRRK2 gene, results from a G to C substitution at nucleotide position 2755. The aspartic acid at codon 919 is replaced by histidine, an amino acid with similar properties. This amino acid position is conserved. In addition, this alteration is predicted to be tolerated by in silico analysis. Since supporting evidence is limited at this time, the clinical significance of this alteration remains unclear.